The following is an entry in ClinVar:

NM_001195518.2(MICU1):c.386G>C (p.Arg129Pro)

Gene: MICU1 (mitochondrial calcium uptake 1; minus strand). Cytogenetic location: 10q22.1.
Variant type: single nucleotide variant.
Coding change: c.386G>C on transcript NM_001195518.2 (MANE Select); coding-DNA position 386, G replaced by C.
Protein change: p.Arg129Pro; replaces arginine 129 with proline.
Molecular consequence: missense variant.
Genome position (GRCh38, 1-based): chr10:72,551,286, C>G on the plus strand (G>C on the coding strand, the complement: MICU1 is on the minus strand). VCF-style: chr10-72551286-C-G. GRCh37 (hg19) VCF-style: chr10-74311044-C-G.
Other names: c.386G>C, p.Arg129Pro (NM_001363513.2, NM_006077.4); short protein forms R129P.
Identifiers: ClinVar variation 279993 (VCV000279993.14), dbSNP rs375664373, ClinGen allele CA5550283.
Genomic context (GRCh38, chr10:72,551,286, plus strand): 5'-GGTGTCATAAACACTTCTGCTTCACCAGGCTCACTGATGACTTTCAAGGTGGCAAAATAT[C>G]GGAAGATTTTGTCTGGCGTGGAGTAGGCTCGAATCCTATTCTCATATTCCATCACCTAAA-3'
Protein context (NP_001182447.1, residues 119-139): RAYSTPDKIF[Arg129Pro]YFATLKVISE

ClinVar aggregate classification (germline): Pathogenic/Likely pathogenic. Review status: criteria provided, multiple submitters, no conflicts (2 of 4 stars). 5 submissions from 5 submitters: Pathogenic (3); Likely pathogenic (1). 1 of the submissions does not count toward it. Last evaluated 2026-07-27.

Conditions:
MICU1-related disorder. Also called: MICU1-related condition.
Proximal myopathy with extrapyramidal signs. Also called: Myopathy with extrapyramidal signs. Identifiers: Orphanet 401768, MedGen C3810285, MONDO:0014300, OMIM 615673.

Allele frequency attached by ClinVar (database versions not stated): gnomAD 0.00004; TOPMed 0.00006; ExAC 0.00007; ESP Exome Variant Server 0.00017.

Submissions (5):

GeneDx
Classification: Pathogenic. Last evaluated: 2026-07-27. Review status: criteria provided, single submitter. Criteria: GeneDx Variant Classification Process June 2021. Collection method: clinical testing. Allele origin: germline.
Comment: Not observed at significant frequency in large population cohorts (gnomAD); In silico analysis supports that this missense variant has a deleterious effect on protein structure/function; This variant is associated with the following publications: (PMID: 27159402, 33144682, 31618753, 35948506, 32395406, 33528536, 38544359)

Labcorp Genetics (formerly Invitae), Labcorp
Classification: Likely pathogenic. Last evaluated: 2026-01-01. Review status: criteria provided, single submitter. Criteria: Invitae Variant Classification Sherloc (09022015). Collection method: clinical testing. Allele origin: germline.
Comment: This sequence change replaces arginine, which is basic and polar, with proline, which is neutral and non-polar, at codon 129 of the MICU1 protein (p.Arg129Pro). This variant is present in population databases (rs375664373, gnomAD 0.02%). This missense change has been observed in individual(s) with MICU1-related conditions (PMID: 27159402, 31618753, 32395406, 33528536, 38544359). In at least one individual the data is consistent with being in trans (on the opposite chromosome) from a pathogenic variant. ClinVar contains an entry for this variant (Variation ID: 279993). Invitae Evidence Modeling of protein sequence and biophysical properties (such as structural, functional, and spatial information, amino acid conservation, physicochemical variation, residue mobility, and thermodynamic stability) indicates that this missense variant is expected to disrupt MICU1 protein function with a positive predictive value of 80%. In summary, the currently available evidence indicates that the variant is pathogenic, but additional data are needed to prove that conclusively. Therefore, this variant has been classified as Likely Pathogenic.

Blueprint Genetics
Classification: Pathogenic for MICU1-related disorders. Last evaluated: 2024-03-18. Review status: criteria provided, single submitter. Criteria: ACMG Guidelines, 2015. Collection method: clinical testing. Allele origin: germline. Affected: yes. Observed: 3 variant alleles.

Baylor Genetics
Classification: Pathogenic for Proximal myopathy with extrapyramidal signs. Last evaluated: 2023-05-02. Review status: criteria provided, single submitter. Criteria: ACMG Guidelines, 2015. Collection method: clinical testing. Allele origin: unknown.

OMIM
Classification: Pathogenic for MYOPATHY WITH EXTRAPYRAMIDAL SIGNS. Last evaluated: 2021-06-24. Review status: no assertion criteria provided. Collection method: literature only. Allele origin: germline. Not counted in ClinVar's aggregate classification.

Literature cited by the submitters: PubMed 27159402 (cited by Labcorp Genetics (formerly Invitae), Labcorp); PubMed 31618753 (cited by Labcorp Genetics (formerly Invitae), Labcorp); PubMed 32395406 (cited by Labcorp Genetics (formerly Invitae), Labcorp and OMIM); PubMed 33528536 (cited by Labcorp Genetics (formerly Invitae), Labcorp); PubMed 38544359 (cited by Labcorp Genetics (formerly Invitae), Labcorp).